The following is an entry in ClinVar:

ClinVar aggregate classification (germline): Pathogenic (1 of 4 stars; one submission).

Conditions:
Charcot-Marie-Tooth disease axonal type 2P. Also called: CHARCOT-MARIE-TOOTH NEUROPATHY, TYPE 2P; Charcot-Marie-Tooth Neuropathy Type 2G; CHARCOT-MARIE-TOOTH DISEASE, AXONAL, TYPE 2G; CMT 2G. Identifiers: Orphanet 300319, Orphanet 99941, MedGen C3280797, MONDO:0013753, OMIM 614436.

Submission:

Labcorp Genetics (formerly Invitae), Labcorp
Classification: Pathogenic for Charcot-Marie-Tooth disease axonal type 2P. Last evaluated: 2023-03-01. Review status: criteria provided, single submitter. Criteria: Invitae Variant Classification Sherloc (09022015). Collection method: clinical testing. Allele origin: germline.
Comment: For these reasons, this variant has been classified as Pathogenic. This variant has not been reported in the literature in individuals affected with LRSAM1-related conditions. This variant is not present in population databases (gnomAD no frequency). This sequence change creates a premature translational stop signal (p.Gln516*) in the LRSAM1 gene. It is expected to result in an absent or disrupted protein product. Loss-of-function variants in LRSAM1 are known to be pathogenic (PMID: 20865121, 33414056).

Literature cited by the submitters: PubMed 20865121; PubMed 33414056.

NM_001005373.4(LRSAM1):c.1546C>T (p.Gln516Ter)

Gene: LRSAM1 (leucine rich repeat and sterile alpha motif containing 1; plus strand). Cytogenetic location: 9q33.3.
Variant type: single nucleotide variant.
Coding change: c.1546C>T on transcript NM_001005373.4 (MANE Select); coding-DNA position 1546, C replaced by T.
Protein change: p.Gln516Ter; replaces glutamine 516 with a stop codon.
Molecular consequence: nonsense. On other transcripts: non-coding transcript variant (2).
Genome position (GRCh38, 1-based): chr9:127,492,844, C>T. VCF-style: chr9-127492844-C-T. GRCh37 (hg19) VCF-style: chr9-130255123-C-T.
Other names: c.1546C>T, p.Gln516Ter (NM_001005374.4, NM_001384142.1, NM_001384143.1 and 1 more transcripts); c.1465C>T, p.Gln489Ter (NM_001190723.3); c.757C>T, p.Gln253Ter (NM_001384144.1); short protein forms Q253*, Q489*, Q516*.
Identifiers: ClinVar variation 2913480 (VCV002913480.3), dbSNP rs2539433562, ClinGen allele CA374934375.